The following is an entry in ClinVar:

NM_001232.4(CASQ2):c.899A>G (p.Asp300Gly)

Gene: CASQ2 (calsequestrin 2; minus strand). Cytogenetic location: 1p13.1.
Variant type: single nucleotide variant.
Coding change: c.899A>G on transcript NM_001232.4 (MANE Select); coding-DNA position 899, A replaced by G.
Protein change: p.Asp300Gly; replaces aspartic acid 300 with glycine.
Molecular consequence: missense variant.
Genome position (GRCh38, 1-based): chr1:115,705,232, T>C on the plus strand (A>G on the coding strand, the complement: CASQ2 is on the minus strand). VCF-style: chr1-115705232-T-C. GRCh37 (hg19) VCF-style: chr1-116247853-T-C.
Other names: short protein forms D300G.
Identifiers: ClinVar variation 3485290 (VCV003485290.2).

ClinVar aggregate classification (germline): Uncertain significance. Review status: criteria provided, multiple submitters, no conflicts (2 of 4 stars). 2 submissions from 2 submitters: Uncertain significance (2). Last evaluated 2025-10-12.

Conditions:
Cardiovascular phenotype. Identifiers: MedGen CN230736.
Catecholaminergic polymorphic ventricular tachycardia 1. Also called: VENTRICULAR TACHYCARDIA, STRESS-INDUCED POLYMORPHIC 1; VENTRICULAR TACHYCARDIA, CATECHOLAMINERGIC POLYMORPHIC, 1, WITH OR WITHOUT ATRIAL DYSFUNCTION AND/OR DILATED CARDIOMYOPATHY; RYR2-Related Catecholaminergic Polymorphic Ventricular Tachycardia. Identifiers: Orphanet 3286, MedGen C1631597, MONDO:0011484, OMIM 604772.

gnomAD v4.1: 3 of 1,614,074 alleles (0.00019%); highest among the groups gnomAD compares: Non-Finnish European, 0.00025%; no homozygotes.

Submissions (2):

Labcorp Genetics (formerly Invitae), Labcorp
Classification: Uncertain significance for Catecholaminergic polymorphic ventricular tachycardia 1. Last evaluated: 2025-10-12. Review status: criteria provided, single submitter. Criteria: Invitae Variant Classification Sherloc (09022015). Collection method: clinical testing. Allele origin: germline.
Comment: This sequence change replaces aspartic acid, which is acidic and polar, with glycine, which is neutral and non-polar, at codon 300 of the CASQ2 protein (p.Asp300Gly). This variant is not present in population databases (gnomAD no frequency). This variant has not been reported in the literature in individuals affected with CASQ2-related conditions. ClinVar contains an entry for this variant (Variation ID: 3485290). Invitae Evidence Modeling of protein sequence and biophysical properties (such as structural, functional, and spatial information, amino acid conservation, physicochemical variation, residue mobility, and thermodynamic stability) indicates that this missense variant is not expected to disrupt CASQ2 protein function with a negative predictive value of 80%. In summary, the available evidence is currently insufficient to determine the role of this variant in disease. Therefore, it has been classified as a Variant of Uncertain Significance.

Ambry Genetics
Classification: Uncertain significance for Cardiovascular phenotype. Last evaluated: 2024-08-11. Review status: criteria provided, single submitter. Criteria: Ambry Variant Classification Scheme 2023. Collection method: clinical testing. Allele origin: germline.
Comment: The p.D300G variant (also known as c.899A>G), located in coding exon 9 of the CASQ2 gene, results from an A to G substitution at nucleotide position 899. The aspartic acid at codon 300 is replaced by glycine, an amino acid with similar properties. This amino acid position is conserved. In addition, the in silico prediction for this alteration is inconclusive. Based on the available evidence, the clinical significance of this variant remains unclear.